The following is an entry in ClinVar:

NM_003919.3(SGCE):c.19T>C (p.Trp7Arg)

Gene: SGCE (sarcoglycan epsilon; minus strand). Cytogenetic location: 7q21.3.
Variant type: single nucleotide variant.
Coding change: c.19T>C on transcript NM_003919.3 (MANE Select); coding-DNA position 19, T replaced by C.
Protein change: p.Trp7Arg; replaces tryptophan 7 with arginine.
Molecular consequence: missense variant. On other transcripts: 5 prime UTR variant (4).
Genome position (GRCh38, 1-based): chr7:94,656,080, A>G on the plus strand (T>C on the coding strand, the complement: SGCE is on the minus strand). VCF-style: chr7-94656080-A-G. GRCh37 (hg19) VCF-style: chr7-94285392-A-G.
Other names: c.19T>C, p.Trp7Arg (NM_001099400.2, NM_001099401.2, NM_001301139.2 and 4 more transcripts); c.-239T>C (NM_001346719.2); c.-317T>C (NM_001346720.2, NM_001362808.2); c.-245T>C (NM_001362807.2); short protein forms W7R.
Identifiers: ClinVar variation 912151 (VCV000912151.7), dbSNP rs1271444866, ClinGen allele CA368393732.

ClinVar aggregate classification (germline): Uncertain significance. Review status: criteria provided, multiple submitters, no conflicts (2 of 4 stars). 2 submissions from 2 submitters: Uncertain significance (2). Last evaluated 2024-01-21.

Conditions:
Myoclonic dystonia 11 (DYT11). Also called: Myoclonic dystonia; Dystonia 11; Dystonia, alcohol responsive; Hereditary essential myoclonus; SGCE Myoclonus-Dystonia; Myoclonus-Dystonia. Identifiers: Orphanet 36899, MedGen C1834570, MONDO:0008044, OMIM 159900.

Allele frequency attached by ClinVar (database versions not stated): gnomAD 0.00001; TOPMed 0.00001.
gnomAD v4.1: 14 of 1,610,904 alleles (0.00087%); highest among the groups gnomAD compares: African/African-American, 0.0013%; no homozygotes.

Submissions (2):

Labcorp Genetics (formerly Invitae), Labcorp
Classification: Uncertain significance for Myoclonic dystonia 11. Last evaluated: 2024-01-21. Review status: criteria provided, single submitter. Criteria: Invitae Variant Classification Sherloc (09022015). Collection method: clinical testing. Allele origin: germline.
Comment: This sequence change replaces tryptophan, which is neutral and slightly polar, with arginine, which is basic and polar, at codon 7 of the SGCE protein (p.Trp7Arg). This variant is not present in population databases (gnomAD no frequency). This variant has not been reported in the literature in individuals affected with SGCE-related conditions. ClinVar contains an entry for this variant (Variation ID: 912151). An algorithm developed to predict the effect of missense changes on protein structure and function (PolyPhen-2) suggests that this variant is likely to be disruptive. In summary, the available evidence is currently insufficient to determine the role of this variant in disease. Therefore, it has been classified as a Variant of Uncertain Significance.

Illumina Laboratory Services, Illumina
Classification: Uncertain significance for Myoclonic dystonia 11. Last evaluated: 2018-01-12. Review status: criteria provided, single submitter. Criteria: ICSL Variant Classification Criteria 13 December 2019. Collection method: clinical testing. Allele origin: germline.